The following is an entry in ClinVar:

ClinVar aggregate classification (germline): Uncertain significance (1 of 4 stars; one submission).

Allele frequency attached by ClinVar (database versions not stated): gnomAD exomes below 0.00001; TOPMed below 0.00001.
gnomAD v4.1: 6 of 1,614,108 alleles (0.00037%); highest among the groups gnomAD compares: Non-Finnish European, 0.00051%; no homozygotes.

Submission:

Labcorp Genetics (formerly Invitae), Labcorp
Classification: Uncertain significance. Last evaluated: 2022-02-03. Review status: criteria provided, single submitter. Criteria: Invitae Variant Classification Sherloc (09022015). Collection method: clinical testing. Allele origin: germline.
Comment: In summary, the available evidence is currently insufficient to determine the role of this variant in disease. Therefore, it has been classified as a Variant of Uncertain Significance. Algorithms developed to predict the effect of missense changes on protein structure and function are either unavailable or do not agree on the potential impact of this missense change (SIFT: "Not Available"; PolyPhen-2: "Probably Damaging"; Align-GVGD: "Not Available"). This variant has not been reported in the literature in individuals affected with SEC24D-related conditions. This variant is not present in population databases (gnomAD no frequency). This sequence change replaces glutamic acid, which is acidic and polar, with glutamine, which is neutral and polar, at codon 915 of the SEC24D protein (p.Glu915Gln).

NM_014822.4(SEC24D):c.2743G>C (p.Glu915Gln)

Gene: SEC24D (SEC24 homolog D, COPII component; minus strand). Cytogenetic location: 4q26.
Variant type: single nucleotide variant.
Coding change: c.2743G>C on transcript NM_014822.4 (MANE Select); coding-DNA position 2743, G replaced by C.
Protein change: p.Glu915Gln; replaces glutamic acid 915 with glutamine.
Molecular consequence: missense variant.
Genome position (GRCh38, 1-based): chr4:118,731,441, C>G on the plus strand (G>C on the coding strand, the complement: SEC24D is on the minus strand). VCF-style: chr4-118731441-C-G. GRCh37 (hg19) VCF-style: chr4-119652596-C-G.
Other names: c.2746G>C, p.Glu916Gln (NM_001318066.2); short protein forms E915Q, E916Q.
Identifiers: ClinVar variation 1951903 (VCV001951903.5), dbSNP rs925931834, ClinGen allele CA104643074.